The following is an entry in ClinVar:

ClinVar aggregate classification (germline): Benign/Likely benign. Review status: criteria provided, multiple submitters, no conflicts (2 of 4 stars). 2 submissions from 2 submitters: Benign (1); Likely benign (1). Last evaluated 2024-08-01.

Conditions:
Ataxia-telangiectasia syndrome (AT). Also called: ATAXIA-TELANGIECTASIA, COMPLEMENTATION GROUP A; ATAXIA-TELANGIECTASIA, FRESNO VARIANT; Ataxia-telangiectasia; Ataxia-telangiectasia, complementation group E; LOUIS-BAR SYNDROME; Cerebello-oculocutaneous telangiectasia. Identifiers: Orphanet 100, MedGen C0004135, MONDO:0008840, OMIM 208900.
Familial cancer of breast. Also called: BREAST CANCER, FAMILIAL; Hereditary breast cancer; hereditary breast carcinoma. Identifiers: Orphanet 227535, MedGen C0346153, MONDO:0016419, OMIM 114480. Disease mechanism: loss of function.

Submissions (2):

Labcorp Genetics (formerly Invitae), Labcorp
Classification: Likely benign for Ataxia-telangiectasia syndrome. Last evaluated: 2024-08-01. Review status: criteria provided, single submitter. Criteria: Invitae Variant Classification Sherloc (09022015). Collection method: clinical testing. Allele origin: germline.

Myriad Genetics, Inc.
Classification: Benign for Familial cancer of breast. Last evaluated: 2024-06-24. Review status: criteria provided, single submitter. Criteria: Myriad Autosomal Dominant, Autosomal Recessive and X-Linked Classification Criteria (2023). Collection method: clinical testing. Allele origin: unknown.
Comment: This variant is considered benign. This variant is a silent/synonymous amino acid change and it is not expected to impact splicing.

NM_000051.4(ATM):c.9102G>A (p.Leu3034=)

Genes: C11orf65 (chromosome 11 open reading frame 65; minus strand), ATM (ATM serine/threonine kinase; plus strand). Cytogenetic location: 11q22.3.
Variant type: single nucleotide variant.
Coding change: c.9102G>A on transcript NM_000051.4 (MANE Select); coding-DNA position 9102, G replaced by A.
Protein change: p.Leu3034=; no amino-acid change (leucine 3034 retained).
Molecular consequence: synonymous variant. On other transcripts: intron variant (2).
Genome position (GRCh38, 1-based): chr11:108,365,439, G>A. VCF-style: chr11-108365439-G-A. GRCh37 (hg19) VCF-style: chr11-108236166-G-A.
Other names: c.9102G>A, p.Leu3034= (NM_001351834.2); c.640+20481C>T (NM_001330368.2); c.694+20481C>T (NM_001351110.2).
Identifiers: ClinVar variation 2863097 (VCV002863097.4), dbSNP rs753290128, ClinGen allele CA476745247.